The following is an entry in ClinVar:

ClinVar aggregate classification (germline): Benign. Review status: reviewed by expert panel (3 of 4 stars). 3 submissions from 3 submitters: Benign (1). 2 of the submissions do not count toward it. Last evaluated 2026-08-19.

Conditions:
Immunodeficiency 104. Also called: Severe combined immunodeficiency, autosomal recessive, T cell-negative, B cell-positive, NK cell-positive; SCID, AUTOSOMAL RECESSIVE, T CELL-NEGATIVE, B CELL-POSITIVE, NK CELL-POSITIVE; Severe Combined Immune Deficiency, Autosomal Recessive, TCell -Negative, B Cell-Positive, NK Cell-Positive, IL7R-Related; IMMUNODEFICIENCY 104, SEVERE COMBINED. Identifiers: MedGen C5676890, MONDO:0012163, OMIM 608971.

Allele frequency attached by ClinVar (database versions not stated): ExAC 0.00031; gnomAD exomes 0.00031; 1000 Genomes Project 0.00060; 1000 Genomes Project 30x 0.00062.

Submissions (3):

ClinGen Severe Combined Immunodeficiency Variant Curation Expert Panel, ClinGen
Classification: Benign for Immunodeficiency 104. Last evaluated: 2026-08-19. Review status: reviewed by expert panel. Criteria: ClinGen SCID ACMG Specifications IL7R V2.2. Collection method: curation. Allele origin: germline. Inheritance: Autosomal recessive inheritance.
Comment: NM_002185.5(IL7R):c.442G>C is a missense variant predicted to cause substitution of valine by leucine at amino acid 148 (p.Val148Leu). The filtering allele frequency (the lower bound of the 95% CI of 259/91,046) of the c.442G>C variant in IL7R is 0.002560 for South Asian chromosomes in gnomAD v4, which is higher than the ClinGen SCID VCEP threshold (>0.00126) for BS1 and therefore meets this criterion (BS1). This variant also has 4 homozygotes in gnomAD v4, meeting criteria for BS2_Strong. To our knowledge, this variant has not been reported in the literature in individuals affected with IL7R-related conditions or in functional studies. In summary, this variant meets criteria to be classified as Benign for autosomal recessive severe combined immunodeficiency due to IL7R deficiency based on the ACMG/AMP criteria applied, as specified by the ClinGen SCID VCEP: BS1 and BS2_Strong (IL7R SCID VCEP specifications version 2.2.0).

Labcorp Genetics (formerly Invitae), Labcorp
Classification: Likely benign for Immunodeficiency 104. Last evaluated: 2026-01-25. Review status: criteria provided, single submitter. Criteria: Invitae Variant Classification Sherloc (09022015). Collection method: clinical testing. Allele origin: germline. Not counted in ClinVar's aggregate classification.

Blueprint Genetics
Classification: Uncertain significance. Last evaluated: 2024-11-25. Review status: criteria provided, single submitter. Criteria: ACMG Guidelines, 2015. Collection method: clinical testing. Allele origin: germline. Not counted in ClinVar's aggregate classification.

NM_002185.5(IL7R):c.442G>C (p.Val148Leu)

Gene: IL7R (interleukin 7 receptor; plus strand). Cytogenetic location: 5p13.2.
Variant type: single nucleotide variant.
Coding change: c.442G>C on transcript NM_002185.5 (MANE Select); coding-DNA position 442, G replaced by C.
Protein change: p.Val148Leu; replaces valine 148 with leucine.
Molecular consequence: missense variant. On other transcripts: non-coding transcript variant (1).
Genome position (GRCh38, 1-based): chr5:35,871,118, G>C. VCF-style: chr5-35871118-G-C. GRCh37 (hg19) VCF-style: chr5-35871220-G-C.
Other names: NM_002185.5(IL7R):c.442G>C; p.Val148Leu; short protein forms V148L.
Identifiers: ClinVar variation 1672307 (VCV001672307.10), dbSNP rs200332345, ClinGen allele CA3231974.